The following is an entry in ClinVar:

NM_000321.3(RB1):c.709G>T (p.Glu237Ter)

Gene: RB1 (RB transcriptional corepressor 1; plus strand). Cytogenetic location: 13q14.2.
Variant type: single nucleotide variant.
Coding change: c.709G>T on transcript NM_000321.3 (MANE Select); coding-DNA position 709, G replaced by T.
Protein change: p.Glu237Ter; replaces glutamic acid 237 with a stop codon.
Molecular consequence: nonsense.
Genome position (GRCh38, 1-based): chr13:48,360,118, G>T. VCF-style: chr13-48360118-G-T. GRCh37 (hg19) VCF-style: chr13-48934254-G-T.
Other names: short protein forms E237*.
Identifiers: ClinVar variation 428731 (VCV000428731.8), dbSNP rs1131690904, ClinGen allele CA388158618.
Genomic context (GRCh38, chr13:48,360,118, plus strand): 5'-CAGTTAATGCTATGTGTCCTTGACTATTTTATTAAACTCTCACCTCCCATGTTGCTCAAA[G>T]AACCATATAGTAAGTATTTAATTTATGCCCCTTTTACTTTCTCATTCAGCAGTTGCTTAT-3'

ClinVar aggregate classification (germline): Pathogenic. Review status: criteria provided, multiple submitters, no conflicts (2 of 4 stars). 2 submissions from 2 submitters: Pathogenic (2). Last evaluated 2025-04-21.

Conditions:
Hereditary cancer-predisposing syndrome. Also called: Hereditary Cancer Syndrome; Neoplastic Syndromes, Hereditary; Hereditary neoplastic syndrome; Tumor predisposition. Identifiers: Orphanet 140162, MedGen C0027672, MeSH D009386, MONDO:0015356.
Retinoblastoma (RB1). Also called: RETINOBLASTOMA, SOMATIC. Identifiers: Orphanet 790, MedGen C0035335, MeSH D012175, MONDO:0008380, OMIM 180200, HP:0009919. Disease mechanism: loss of function. Inheritance: Both sporadic and heritable forms are tested..

Submissions (2):

Labcorp Genetics (formerly Invitae), Labcorp
Classification: Pathogenic for Retinoblastoma. Last evaluated: 2025-04-21. Review status: criteria provided, single submitter. Criteria: Invitae Variant Classification Sherloc (09022015). Collection method: clinical testing. Allele origin: germline.
Comment: This sequence change creates a premature translational stop signal (p.Glu237*) in the RB1 gene. It is expected to result in an absent or disrupted protein product. Loss-of-function variants in RB1 are known to be pathogenic (PMID: 17096365). This variant is not present in population databases (gnomAD no frequency). This premature translational stop signal has been observed in individual(s) with retinoblastoma (PMID: 23532519, 24225018). ClinVar contains an entry for this variant (Variation ID: 428731). Algorithms developed to predict the effect of sequence changes on RNA splicing suggest that this variant may disrupt the consensus splice site. For these reasons, this variant has been classified as Pathogenic.

Ambry Genetics
Classification: Pathogenic for Hereditary cancer-predisposing syndrome. Last evaluated: 2020-09-01. Review status: criteria provided, single submitter. Criteria: Ambry Variant Classification Scheme 2023. Collection method: clinical testing. Allele origin: germline.
Comment: The p.E237* pathogenic mutation (also known as c.709G>T), located in coding exon 7 of the RB1 gene, results from a G to T substitution at nucleotide position 709. This changes the amino acid from a glutamic acid to a stop codon within coding exon 7. This mutation has been detected in one individual with bilateral retinoblastoma (RB) and leukemia and was also detected in one individual from a cohort of patients with with either bilateral and/or familial RB or unilateral sporadic RB (Barbosa RH, et al. Invest. Ophthalmol. Vis. Sci. 2013; 54(5):3184-94, Price EA, et al. J. Med. Genet. 2014; 51(3):208-14). This alteration is expected to result in loss of function by premature protein truncation or nonsense-mediated mRNA decay. As such, this alteration is interpreted as a disease-causing mutation.

Literature cited by the submitters: PubMed 17096365 (cited by Labcorp Genetics (formerly Invitae), Labcorp); PubMed 23532519 (cited by Labcorp Genetics (formerly Invitae), Labcorp and Ambry Genetics); PubMed 24225018 (cited by Labcorp Genetics (formerly Invitae), Labcorp and Ambry Genetics).